The following is an entry in ClinVar:

NM_003502.4(AXIN1):c.1575C>T (p.Asp525=)

Gene: AXIN1 (axin 1; minus strand). Cytogenetic location: 16p13.3.
Variant type: single nucleotide variant.
Coding change: c.1575C>T on transcript NM_003502.4 (MANE Select); coding-DNA position 1575, C replaced by T.
Protein change: p.Asp525=; no amino-acid change (aspartic acid 525 retained).
Molecular consequence: synonymous variant. On other transcripts: non-coding transcript variant (1).
Genome position (GRCh38, 1-based): chr16:297,931, G>A on the plus strand (C>T on the coding strand, the complement: AXIN1 is on the minus strand). VCF-style: chr16-297931-G-A. GRCh37 (hg19) VCF-style: chr16-347931-G-A.
Other names: c.1575C>T, p.Asp525= (NM_181050.3).
Identifiers: ClinVar variation 3033815 (VCV003033815.2), dbSNP rs1805102, ClinGen allele CA7774153.

ClinVar aggregate classification (germline): Benign (0 of 4 stars; one submission).

Conditions:
AXIN1-related disorder. Also called: AXIN1-related condition.

Allele frequency attached by ClinVar (database versions not stated): ESP Exome Variant Server 0.00062; gnomAD 0.00340; 1000 Genomes Project 0.00559; 1000 Genomes Project 30x 0.00593; ExAC 0.01010.
gnomAD v4.1: 4,076 of 1,600,536 alleles (0.25%); highest among the groups gnomAD compares: Admixed American, 5.5%; 130 homozygotes.

Submission:

PreventionGenetics, part of Exact Sciences
Classification: Benign for AXIN1-related condition. Last evaluated: 2019-06-11. Review status: no assertion criteria provided. Collection method: clinical testing. Allele origin: germline.
Comment: This variant is classified as benign based on ACMG/AMP sequence variant interpretation guidelines (Richards et al. 2015 PMID: 25741868, with internal and published modifications).